The following is an entry in ClinVar:

ClinVar aggregate classification (germline): Uncertain significance. Review status: criteria provided, multiple submitters, no conflicts (2 of 4 stars). 2 submissions from 2 submitters: Uncertain significance (2). Last evaluated 2025-06-09.

Conditions:
Hereditary cancer-predisposing syndrome. Also called: Neoplastic Syndromes, Hereditary; Hereditary Cancer Syndrome; Tumor predisposition; Hereditary neoplastic syndrome. Identifiers: Orphanet 140162, MedGen C0027672, MeSH D009386, MONDO:0015356.

gnomAD v4.1: 1 of 1,606,536 alleles (0.000062%); highest among the groups gnomAD compares: Non-Finnish European, 0.000085%; no homozygotes.

Submissions (2):

Ambry Genetics
Classification: Uncertain significance for Hereditary cancer-predisposing syndrome. Last evaluated: 2025-06-09. Review status: criteria provided, single submitter. Criteria: Ambry Variant Classification Scheme 2023. Collection method: clinical testing. Allele origin: germline.
Comment: The c.1794+4A>C intronic variant results from an A to C substitution 4 nucleotides after coding exon 16 in the POLE gene. This nucleotide position is not well conserved in available vertebrate species. In silico splice site analysis predicts that this alteration will not have any significant effect on splicing. Based on the available evidence, the clinical significance of this variant remains unclear.

Labcorp Genetics (formerly Invitae), Labcorp
Classification: Uncertain significance. Last evaluated: 2020-02-29. Review status: criteria provided, single submitter. Criteria: Invitae Variant Classification Sherloc (09022015). Collection method: clinical testing. Allele origin: germline.
Comment: This sequence change falls in intron 16 of the POLE gene. It does not directly change the encoded amino acid sequence of the POLE protein, but it affects a nucleotide within the consensus splice site of the intron. This variant is not present in population databases (ExAC no frequency). This variant has not been reported in the literature in individuals with POLE-related conditions. Nucleotide substitutions within the consensus splice site are a relatively common cause of aberrant splicing (PMID: 17576681, 9536098). Algorithms developed to predict the effect of sequence changes on RNA splicing suggest that this variant is not likely to affect RNA splicing, but this prediction has not been confirmed by published transcriptional studies. In summary, the available evidence is currently insufficient to determine the role of this variant in disease. Therefore, it has been classified as a Variant of Uncertain Significance.

Literature cited by the submitters: PubMed 17576681 (cited by Labcorp Genetics (formerly Invitae), Labcorp); PubMed 9536098 (cited by Labcorp Genetics (formerly Invitae), Labcorp).

NM_006231.4(POLE):c.1794+4A>C

Gene: POLE (DNA polymerase epsilon, catalytic subunit; minus strand). Cytogenetic location: 12q24.33.
Variant type: single nucleotide variant.
Coding change: c.1794+4A>C on transcript NM_006231.4 (MANE Select); 4 bases into the intron after coding-DNA position 1794, A replaced by C.
Molecular consequence: intron variant.
Genome position (GRCh38, 1-based): chr12:132,672,211, T>G on the plus strand (A>C on the coding strand, the complement: POLE is on the minus strand). VCF-style: chr12-132672211-T-G. GRCh37 (hg19) VCF-style: chr12-133248797-T-G.
Other names: c.1794+4A>C (NM_006231.2).
Identifiers: ClinVar variation 1038132 (VCV001038132.7), dbSNP rs1555228110, ClinGen allele CA2073001054.